The following is an entry in ClinVar:

NM_014423.4(AFF4):c.2015A>G (p.Asn672Ser)

Gene: AFF4 (ALF transcription elongation factor 4; minus strand). Cytogenetic location: 5q31.1.
Variant type: single nucleotide variant.
Coding change: c.2015A>G on transcript NM_014423.4 (MANE Select); coding-DNA position 2015, A replaced by G.
Protein change: p.Asn672Ser; replaces asparagine 672 with serine.
Molecular consequence: missense variant.
Genome position (GRCh38, 1-based): chr5:132,896,615, T>C on the plus strand (A>G on the coding strand, the complement: AFF4 is on the minus strand). VCF-style: chr5-132896615-T-C. GRCh37 (hg19) VCF-style: chr5-132232307-T-C.
Other names: c.2015A>G (NM_014423.3); short protein forms N672S.
Identifiers: ClinVar variation 1434325 (VCV001434325.10), dbSNP rs959176441, ClinGen allele CA127273350.

ClinVar aggregate classification (germline): Uncertain significance. Review status: criteria provided, multiple submitters, no conflicts (2 of 4 stars). 3 submissions from 3 submitters: Uncertain significance (3). Last evaluated 2025-11-26.

Conditions:
AFF4-related disorder. Also called: AFF4-related condition.
Cognitive impairment - coarse facies - heart defects - obesity - pulmonary involvement - short stature - skeletal dysplasia syndrome. Also called: COGNITIVE IMPAIRMENT, COARSE FACIES, HEART DEFECTS, OBESITY, PULMONARY INVOLVEMENT, SHORT STATURE, AND SKELETAL DYSPLASIA; Chops syndrome; AFF4-Related CHOPS Syndrome. Identifiers: Orphanet 444077, MedGen C4085597, MONDO:0014609, OMIM 616368.

Allele frequency attached by ClinVar (database versions not stated): gnomAD exomes below 0.00001; gnomAD 0.00001; TOPMed 0.00003.
gnomAD v4.1: 4 of 1,614,026 alleles (0.00025%); highest among the groups gnomAD compares: African/African-American, 0.0053%; no homozygotes.

Submissions (3):

PreventionGenetics, part of Exact Sciences
Classification: Uncertain significance for AFF4-related condition. Last evaluated: 2025-11-26. Review status: criteria provided, single submitter. Criteria: ACMG Guidelines, 2015. Collection method: clinical testing. Allele origin: germline.
Comment: The AFF4 c.2015A>G variant is predicted to result in the amino acid substitution p.Asn672Ser. To our knowledge, this variant has not been reported in the literature. This variant is reported in 0.0080% of alleles in individuals of African descent in gnomAD. At this time, the clinical significance of this variant is uncertain due to the absence of conclusive functional and genetic evidence.

Labcorp Genetics (formerly Invitae), Labcorp
Classification: Uncertain significance for Cognitive impairment - coarse facies - heart defects - obesity - pulmonary involvement - short stature - skeletal dysplasia syndrome. Last evaluated: 2021-11-03. Review status: criteria provided, single submitter. Criteria: Invitae Variant Classification Sherloc (09022015). Collection method: clinical testing. Allele origin: germline.
Comment: In summary, the available evidence is currently insufficient to determine the role of this variant in disease. Therefore, it has been classified as a Variant of Uncertain Significance. Algorithms developed to predict the effect of sequence changes on RNA splicing suggest that this variant may create or strengthen a splice site. Algorithms developed to predict the effect of missense changes on protein structure and function output the following: SIFT: "Tolerated"; PolyPhen-2: "Benign"; Align-GVGD: "Class C0". The serine amino acid residue is found in multiple mammalian species, which suggests that this missense change does not adversely affect protein function. This variant has not been reported in the literature in individuals affected with AFF4-related conditions. This variant is present in population databases (no rsID available, gnomAD 0.008%). This sequence change replaces asparagine, which is neutral and polar, with serine, which is neutral and polar, at codon 672 of the AFF4 protein (p.Asn672Ser).

New York Genome Center
Classification: Uncertain significance for Cognitive impairment - coarse facies - heart defects - obesity - pulmonary involvement - short stature - skeletal dysplasia syndrome. Last evaluated: 2021-10-01. Review status: criteria provided, single submitter. Criteria: NYGC Assertion Criteria 2020. Collection method: clinical testing. Allele origin: germline. Observed: 1 heterozygote.